The following is an entry in ClinVar:

ClinVar aggregate classification (germline): Uncertain significance. Review status: criteria provided, multiple submitters, no conflicts (2 of 4 stars). 2 submissions from 2 submitters: Uncertain significance (2). Last evaluated 2024-01-31.

Conditions:
Ataxia-telangiectasia syndrome (AT). Also called: LOUIS-BAR SYNDROME; Cerebello-oculocutaneous telangiectasia; Immunodeficiency with ataxia telangiectasia; Ataxia-telangiectasia, complementation group E; Ataxia-telangiectasia, complementation group D; AT, COMPLEMENTATION GROUP C. Identifiers: Orphanet 100, MedGen C0004135, MONDO:0008840, OMIM 208900.

Submissions (2):

Labcorp Genetics (formerly Invitae), Labcorp
Classification: Uncertain significance for Ataxia-telangiectasia syndrome. Last evaluated: 2024-01-31. Review status: criteria provided, single submitter. Criteria: Invitae Variant Classification Sherloc (09022015). Collection method: clinical testing. Allele origin: germline.
Comment: This sequence change replaces phenylalanine, which is neutral and non-polar, with serine, which is neutral and polar, at codon 627 of the ATM protein (p.Phe627Ser). This variant is not present in population databases (gnomAD no frequency). This variant has not been reported in the literature in individuals affected with ATM-related conditions. An algorithm developed to predict the effect of missense changes on protein structure and function (PolyPhen-2) suggests that this variant is likely to be disruptive. In summary, the available evidence is currently insufficient to determine the role of this variant in disease. Therefore, it has been classified as a Variant of Uncertain Significance.

CeGaT Center for Human Genetics Tuebingen
Classification: Uncertain significance. Last evaluated: 2024-01-01. Review status: criteria provided, single submitter. Criteria: CeGaT Center For Human Genetics Tuebingen Variant Classification Criteria Version 2. Collection method: clinical testing. Allele origin: germline. Affected: yes. Observed: 1 variant allele.
Comment: ATM: PM2, BP4

NM_000051.4(ATM):c.1880T>C (p.Phe627Ser)

Gene: ATM (ATM serine/threonine kinase; plus strand). Cytogenetic location: 11q22.3.
Variant type: single nucleotide variant.
Coding change: c.1880T>C on transcript NM_000051.4 (MANE Select); coding-DNA position 1880, T replaced by C.
Protein change: p.Phe627Ser; replaces phenylalanine 627 with serine.
Molecular consequence: missense variant.
Genome position (GRCh38, 1-based): chr11:108,252,894, T>C. VCF-style: chr11-108252894-T-C. GRCh37 (hg19) VCF-style: chr11-108123621-T-C.
Other names: c.1880T>C, p.Phe627Ser (NM_001351834.2); short protein forms F627S.
Identifiers: ClinVar variation 3026786 (VCV003026786.24), dbSNP rs546087885, ClinGen allele CA382536019.
Genomic context (GRCh38, chr11:108,252,894, plus strand): 5'-TACTGGAGAAAATTCTTGTGAGTCTCACTATGAAAAACTGTAAAGCTGCAATGAATTTTT[T>C]CCAAAGCGTGCCAGAATGGTATGTTATCTAATAATGCTCTTTATCATTTTAAGCTATAGC-3'
Protein context (NP_000042.3, residues 617-637): MKNCKAAMNF[Phe627Ser]QSVPECEHHQ